The following is an entry in ClinVar:

NM_000492.4(CFTR):c.1769G>C (p.Cys590Ser)

Gene: CFTR (CF transmembrane conductance regulator; plus strand). Cytogenetic location: 7q31.2.
Variant type: single nucleotide variant.
Coding change: c.1769G>C on transcript NM_000492.4 (MANE Select); coding-DNA position 1769, G replaced by C.
Protein change: p.Cys590Ser; replaces cysteine 590 with serine.
Molecular consequence: missense variant.
Genome position (GRCh38, 1-based): chr7:117,591,936, G>C. VCF-style: chr7-117591936-G-C. GRCh37 (hg19) VCF-style: chr7-117231990-G-C.
Other names: short protein forms C590S.
Identifiers: ClinVar variation 3067710 (VCV003067710.21), dbSNP rs1347776232, ClinGen allele CA368977731.
Genomic context (GRCh38, chr7:117,591,936, plus strand): 5'-GACATATTGCAATAAAGTATTTATAAAATTGATATTTATATGTTTTTATATCTTAAAGCT[G>C]TGTCTGTAAACTGATGGCTAACAAAACTAGGATTTTGGTCACTTCTAAAATGGAACATTT-3'
Protein context (NP_000483.3, residues 580-600): VLTEKEIFES[Cys590Ser]VCKLMANKTR

ClinVar aggregate classification (germline): Likely pathogenic (1 of 4 stars; one submission).

Allele frequency attached by ClinVar (database versions not stated): TOPMed below 0.00001.

Submission:

CeGaT Center for Human Genetics Tuebingen
Classification: Likely pathogenic. Last evaluated: 2024-03-01. Review status: criteria provided, single submitter. Criteria: CeGaT Center For Human Genetics Tuebingen Variant Classification Criteria Version 2. Collection method: clinical testing. Allele origin: germline. Affected: yes. Observed: 1 variant allele.
Comment: CFTR: PM1, PM2, PM3:Supporting, PP3